The following is an entry in ClinVar:

NM_058246.4(DNAJB6):c.702C>G (p.Asp234Glu)

Gene: DNAJB6 (DnaJ heat shock protein family (Hsp40) member B6; plus strand). Cytogenetic location: 7q36.3.
Variant type: single nucleotide variant.
Coding change: c.702C>G on transcript NM_058246.4 (MANE Select); coding-DNA position 702, C replaced by G.
Protein change: p.Asp234Glu; replaces aspartic acid 234 with glutamic acid.
Molecular consequence: missense variant.
Genome position (GRCh38, 1-based): chr7:157,409,805, C>G. VCF-style: chr7-157409805-C-G. GRCh37 (hg19) VCF-style: chr7-157202499-C-G.
Other names: c.357C>G, p.Asp119Glu (NM_001363676.1); c.702C>G (NM_058246.3); short protein forms D234E, D119E.
Identifiers: ClinVar variation 1041838 (VCV001041838.12), dbSNP rs568383912, ClinGen allele CA169899083.

ClinVar aggregate classification (germline): Uncertain significance. Review status: criteria provided, multiple submitters, no conflicts (2 of 4 stars). 3 submissions from 3 submitters: Uncertain significance (3). Last evaluated 2025-10-27.

Conditions:
Inborn genetic diseases. Identifiers: MedGen C0950123, MeSH D030342.
Autosomal dominant limb-girdle muscular dystrophy type 1D (DNAJB6) (LGMDD1). Also called: MUSCULAR DYSTROPHY, LIMB-GIRDLE, TYPE 1D; MUSCULAR DYSTROPHY, AUTOSOMAL DOMINANT, WITH RIMMED VACUOLES; Autosomal dominant limb-girdle muscular dystrophy type 1D; Muscular dystrophy, limb-girdle, autosomal dominant 1. Identifiers: Orphanet 34516, MedGen C4721885, MONDO:0021018, OMIM 603511.

Allele frequency attached by ClinVar (database versions not stated): TOPMed 0.00009; gnomAD exomes 0.00012.
gnomAD v4.1: 102 of 1,527,746 alleles (0.0067%); highest among the groups gnomAD compares: Middle Eastern, 0.092%; no homozygotes.

Submissions (3):

Labcorp Genetics (formerly Invitae), Labcorp
Classification: Uncertain significance for Autosomal dominant limb-girdle muscular dystrophy type 1D (DNAJB6). Last evaluated: 2025-10-27. Review status: criteria provided, single submitter. Criteria: Invitae Variant Classification Sherloc (09022015). Collection method: clinical testing. Allele origin: germline.
Comment: This sequence change replaces aspartic acid, which is acidic and polar, with glutamic acid, which is acidic and polar, at codon 234 of the DNAJB6 protein (p.Asp234Glu). This variant is present in population databases (no rsID available, gnomAD 0.03%). This missense change has been observed in individual(s) with clinical features of DNAJB6-related conditions (internal data). ClinVar contains an entry for this variant (Variation ID: 1041838). Invitae Evidence Modeling of protein sequence and biophysical properties (such as structural, functional, and spatial information, amino acid conservation, physicochemical variation, residue mobility, and thermodynamic stability) indicates that this missense variant is not expected to disrupt DNAJB6 protein function with a negative predictive value of 80%. In summary, the available evidence is currently insufficient to determine the role of this variant in disease. Therefore, it has been classified as a Variant of Uncertain Significance.

Ambry Genetics
Classification: Uncertain significance for Inborn genetic diseases. Last evaluated: 2023-03-17. Review status: criteria provided, single submitter. Criteria: Ambry Variant Classification Scheme 2023. Collection method: clinical testing. Allele origin: germline.

Revvity Omics, Revvity
Classification: Uncertain significance for Autosomal dominant limb-girdle muscular dystrophy type 1D (DNAJB6). Last evaluated: 2019-07-24. Review status: criteria provided, single submitter. Criteria: ACMG Guidelines, 2015. Collection method: clinical testing. Allele origin: germline.